The following is an entry in ClinVar:

ClinVar aggregate classification (germline): Pathogenic (1 of 4 stars; one submission).

Conditions:
Ataxia-telangiectasia syndrome (AT). Also called: Ataxia-telangiectasia, complementation group E; LOUIS-BAR SYNDROME; Ataxia-telangiectasia, complementation group D; AT, COMPLEMENTATION GROUP C; Ataxia-telangiectasia; Cerebello-oculocutaneous telangiectasia. Identifiers: Orphanet 100, MedGen C0004135, MONDO:0008840, OMIM 208900.

Submission:

Labcorp Genetics (formerly Invitae), Labcorp
Classification: Pathogenic for Ataxia-telangiectasia syndrome. Last evaluated: 2023-06-03. Review status: criteria provided, single submitter. Criteria: Invitae Variant Classification Sherloc (09022015). Collection method: clinical testing. Allele origin: germline.
Comment: For these reasons, this variant has been classified as Pathogenic. Algorithms developed to predict the effect of sequence changes on RNA splicing suggest that this variant may disrupt the consensus splice site. ClinVar contains an entry for this variant (Variation ID: 1453203). This variant has not been reported in the literature in individuals affected with ATM-related conditions. This variant is not present in population databases (gnomAD no frequency). This sequence change creates a premature translational stop signal (p.Val1645*) in the ATM gene. It is expected to result in an absent or disrupted protein product. Loss-of-function variants in ATM are known to be pathogenic (PMID: 23807571, 25614872).

Literature cited by the submitters: PubMed 23807571; PubMed 25614872.

NM_000051.4(ATM):c.4933del (p.Met1644_Val1645insTer)

Gene: ATM (ATM serine/threonine kinase; plus strand). Cytogenetic location: 11q22.3.
Variant type: Deletion.
Coding change: c.4933del on transcript NM_000051.4 (MANE Select); coding-DNA position 4933, one base deleted (G; older notation c.4933delG).
Protein change: p.Met1644_Val1645insTer.
Molecular consequence: nonsense.
Genome position (GRCh38, 1-based): chr11:108,297,310, G deleted; the last of 2 consecutive G bases (chr11:108,297,309-108,297,310); deleting either gives the same sequence. VCF-style (leftmost placement, unchanged base first): chr11-108297308-TG-T. GRCh37 (hg19) VCF-style: chr11-108168035-TG-T.
Other names: c.4933del, p.Met1644_Val1645insTer (NM_001351834.2).
Identifiers: ClinVar variation 1453203 (VCV001453203.6), dbSNP rs2135861869, ClinGen allele CA2573146765.